The following is an entry in ClinVar:

NM_006030.4(CACNA2D2):c.1837del (p.Leu613fs)

Gene: CACNA2D2 (calcium voltage-gated channel auxiliary subunit alpha2delta 2; minus strand). Cytogenetic location: 3p21.31.
Variant type: Deletion.
Coding change: c.1837del on transcript NM_006030.4 (MANE Select); coding-DNA position 1837, one base deleted (C; older notation c.1837delC).
Protein change: p.Leu613fs; shifts the reading frame from leucine 613.
Molecular consequence: frameshift variant.
Genome position (GRCh38, 1-based): chr3:50,375,817, G deleted on the plus strand (C on the coding strand, the reverse complement: CACNA2D2 is on the minus strand); the first of 3 consecutive G bases (chr3:50,375,817-50,375,819); deleting any one gives the same sequence. VCF-style (leftmost placement, unchanged base first): chr3-50375816-AG-A. GRCh37 (hg19) VCF-style: chr3-50413247-AG-A.
Other names: c.1837del, p.Leu613fs (NM_001005505.3, NM_001174051.3, NM_001410768.1); c.1630del, p.Leu544fs (NM_001291101.1); short protein forms L544fs, L613fs.
Identifiers: ClinVar variation 2716913 (VCV002716913.3), dbSNP rs2471017162, ClinGen allele CA2697550980.
Genomic context (GRCh38, chr3:50,375,816, plus strand): 5'-GGGGTAGAAGGGTGCCCACCCTGACTCCCTGGCCCCCAGCCCTGCCTCCTTACCTCATCC[AG>A]GGACTTGACCAACGTTCTGATCTGCTTGTGGCCCTTGTTGCCATCAATCATGCTCCGACG-3'

ClinVar aggregate classification (germline): Pathogenic (1 of 4 stars; one submission).

Conditions:
Early-infantile DEE. Also called: Early infantile epileptic encephalopathy with suppression bursts; Early infantile epileptic encephalopathy; Ohtahara syndrome. Identifiers: Orphanet 1934, MedGen C0393706, MONDO:0800491.

Submission:

Labcorp Genetics (formerly Invitae), Labcorp
Classification: Pathogenic for Early-infantile DEE. Last evaluated: 2023-05-25. Review status: criteria provided, single submitter. Criteria: Invitae Variant Classification Sherloc (09022015). Collection method: clinical testing. Allele origin: germline.
Comment: For these reasons, this variant has been classified as Pathogenic. This variant has not been reported in the literature in individuals affected with CACNA2D2-related conditions. This variant is not present in population databases (gnomAD no frequency). This sequence change creates a premature translational stop signal (p.Leu613Trpfs*6) in the CACNA2D2 gene. It is expected to result in an absent or disrupted protein product. Loss-of-function variants in CACNA2D2 are known to be pathogenic (PMID: 24358150).

Literature cited by the submitters: PubMed 24358150.